The following is an entry in ClinVar:

ClinVar aggregate classification (germline): Uncertain significance (1 of 4 stars; one submission).

Conditions:
Tessadori-Van Haaften neurodevelopmental syndrome 3 (TEBIVANED3). Identifiers: MedGen C5774310, MONDO:0030993, OMIM 619950.

Submission:

Clinical Genomics Laboratory, Washington University in St. Louis
Classification: Uncertain significance for Tessadori-Van Haaften neurodevelopmental syndrome 3. Last evaluated: 2025-12-04. Review status: criteria provided, single submitter. Criteria: ACMG Guidelines, 2015. Collection method: clinical testing. Allele origin: germline.
Comment: The HIST1H4E c.112C>T (p.Leu38Phe) variant, to our knowledge, has not been reported in the medical literature. This variant is absent from the general population (gnomAD v2.1.1), indicating that it is not a common variant. Computational predictors are uncertain regarding the impact of this variant on HIST1H4E function. This variant resides within the N-terminal α-helix facing the DNA, a domain considered a cluster for missense variants reported to be associated with neurodevelopmental features (Tessadori F et al., PMID: 35202563). Due to limited information, the clinical significance of this variant is uncertain.

NM_003545.4(H4C5):c.112C>T (p.Leu38Phe)

Genes: H4C5 (H4 clustered histone 5; plus strand), LOC129996027 (ATAC-STARR-seq lymphoblastoid active region 24208; plus strand). Cytogenetic location: 6p22.2.
Variant type: single nucleotide variant.
Coding change: c.112C>T on transcript NM_003545.4 (MANE Select); coding-DNA position 112, C replaced by T.
Protein change: p.Leu38Phe; replaces leucine 38 with phenylalanine.
Molecular consequence: missense variant.
Genome position (GRCh38, 1-based): chr6:26,204,756, C>T. VCF-style: chr6-26204756-C-T. GRCh37 (hg19) VCF-style: chr6-26204984-C-T.
Other names: short protein forms L38F.
Identifiers: ClinVar variation 4879324 (VCV004879324.1).